The following is an entry in ClinVar:

NM_002838.5(PTPRC):c.622C>T (p.Pro208Ser)

Gene: PTPRC (protein tyrosine phosphatase receptor type C; plus strand). Cytogenetic location: 1q32.1.
Variant type: single nucleotide variant.
Coding change: c.622C>T on transcript NM_002838.5 (MANE Select); coding-DNA position 622, C replaced by T.
Protein change: p.Pro208Ser; replaces proline 208 with serine.
Molecular consequence: missense variant.
Genome position (GRCh38, 1-based): chr1:198,703,336, C>T. VCF-style: chr1-198703336-C-T. GRCh37 (hg19) VCF-style: chr1-198672465-C-T.
Other names: c.139C>T, p.Pro47Ser (NM_080921.4); c.616C>T (NM_002838.3); short protein forms P208S, P47S.
Identifiers: ClinVar variation 1397758 (VCV001397758.6), dbSNP rs762236684, ClinGen allele CA1314549.

ClinVar aggregate classification (germline): Uncertain significance. Review status: criteria provided, multiple submitters, no conflicts (2 of 4 stars). 2 submissions from 2 submitters: Uncertain significance (2). Last evaluated 2026-06-11.

Conditions:
Immunodeficiency 104. Also called: Severe combined immunodeficiency, autosomal recessive, T cell-negative, B cell-positive, NK cell-positive; Severe Combined Immune Deficiency, Autosomal Recessive, TCell -Negative, B Cell-Positive, NK Cell-Positive, IL7R-Related; SCID, AUTOSOMAL RECESSIVE, T CELL-NEGATIVE, B CELL-POSITIVE, NK CELL-POSITIVE; IMMUNODEFICIENCY 104, SEVERE COMBINED. Identifiers: MedGen C5676890, MONDO:0012163, OMIM 608971.
Inborn genetic diseases. Identifiers: MedGen C0950123, MeSH D030342.

Allele frequency attached by ClinVar (database versions not stated): gnomAD 0.00003 and 0.00004; gnomAD exomes below 0.00001; ExAC 0.00001; TOPMed 0.00003.
gnomAD v4.1: 7 of 1,613,082 alleles (0.00043%); highest among the groups gnomAD compares: African/African-American, 0.0094%; no homozygotes.

Submissions (2):

Ambry Genetics
Classification: Uncertain significance for Inborn genetic diseases. Last evaluated: 2026-06-11. Review status: criteria provided, single submitter. Criteria: Ambry Variant Classification Scheme 2023. Collection method: clinical testing. Allele origin: germline.

Labcorp Genetics (formerly Invitae), Labcorp
Classification: Uncertain significance for Immunodeficiency 104. Last evaluated: 2021-09-24. Review status: criteria provided, single submitter. Criteria: Invitae Variant Classification Sherloc (09022015). Collection method: clinical testing. Allele origin: germline.
Comment: This sequence change replaces proline with serine at codon 208 of the PTPRC protein (p.Pro208Ser). The proline residue is weakly conserved and there is a moderate physicochemical difference between proline and serine. This variant is present in population databases (rs762236684, ExAC 0.01%). This variant has not been reported in the literature in individuals with PTPRC-related conditions. Algorithms developed to predict the effect of missense changes on protein structure and function output the following: SIFT: "Tolerated"; PolyPhen-2: "Benign"; Align-GVGD: "Class C0". The serine amino acid residue is found in multiple mammalian species, suggesting that this missense change does not adversely affect protein function. These predictions have not been confirmed by published functional studies and their clinical significance is uncertain. In summary, the available evidence is currently insufficient to determine the role of this variant in disease. Therefore, it has been classified as a Variant of Uncertain Significance.